The following is an entry in ClinVar:

NM_006445.4(PRPF8):c.5866C>G (p.Pro1956Ala)

Gene: PRPF8 (pre-mRNA processing factor 8; minus strand). Cytogenetic location: 17p13.3.
Variant type: single nucleotide variant.
Coding change: c.5866C>G on transcript NM_006445.4 (MANE Select); coding-DNA position 5866, C replaced by G.
Protein change: p.Pro1956Ala; replaces proline 1956 with alanine.
Molecular consequence: missense variant.
Genome position (GRCh38, 1-based): chr17:1,655,471, G>C on the plus strand (C>G on the coding strand, the complement: PRPF8 is on the minus strand). VCF-style: chr17-1655471-G-C. GRCh37 (hg19) VCF-style: chr17-1558765-G-C.
Other names: c.5866C>G (NM_006445.3); short protein forms P1956A.
Identifiers: ClinVar variation 2133117 (VCV002133117.5), dbSNP rs781778715, ClinGen allele CA8271313.

ClinVar aggregate classification (germline): Uncertain significance. Review status: criteria provided, multiple submitters, no conflicts (2 of 4 stars). 2 submissions from 2 submitters: Uncertain significance (2). Last evaluated 2026-02-17.

Conditions:
Inborn genetic diseases. Identifiers: MedGen C0950123, MeSH D030342.

Allele frequency attached by ClinVar (database versions not stated): ExAC 0.00001; gnomAD 0.00001; gnomAD exomes 0.00001.
gnomAD v4.1: 11 of 1,613,944 alleles (0.00068%); highest among the groups gnomAD compares: Non-Finnish European, 0.00093%; no homozygotes.

Submissions (2):

Ambry Genetics
Classification: Uncertain significance for Inborn genetic diseases. Last evaluated: 2026-02-17. Review status: criteria provided, single submitter. Criteria: Ambry Variant Classification Scheme 2023. Collection method: clinical testing. Allele origin: germline.
Comment: The c.5866C>G (p.P1956A) alteration is located in exon 37 (coding exon 36) of the PRPF8 gene. This alteration results from a C to G substitution at nucleotide position 5866, causing the proline (P) at amino acid position 1956 to be replaced by an alanine (A). Based on data from gnomAD, the G allele has an overall frequency of <0.001% (1/251490) total alleles studied. The highest observed frequency was 0.001% (1/113764) of European (non-Finnish) alleles. Based on insufficient or conflicting evidence, the clinical significance of this alteration remains unclear.

Labcorp Genetics (formerly Invitae), Labcorp
Classification: Uncertain significance. Last evaluated: 2022-05-03. Review status: criteria provided, single submitter. Criteria: Invitae Variant Classification Sherloc (09022015). Collection method: clinical testing. Allele origin: germline.
Comment: In summary, the available evidence is currently insufficient to determine the role of this variant in disease. Therefore, it has been classified as a Variant of Uncertain Significance. Algorithms developed to predict the effect of missense changes on protein structure and function are either unavailable or do not agree on the potential impact of this missense change (SIFT: "Tolerated"; PolyPhen-2: "Probably Damaging"; Align-GVGD: "Class C0"). This variant has not been reported in the literature in individuals affected with PRPF8-related conditions. This variant is present in population databases (rs781778715, gnomAD 0.0009%). This sequence change replaces proline, which is neutral and non-polar, with alanine, which is neutral and non-polar, at codon 1956 of the PRPF8 protein (p.Pro1956Ala).